The following is an entry in ClinVar:

NM_080669.6(SLC46A1):c.746G>C (p.Arg249Pro)

Gene: SLC46A1 (solute carrier family 46 member 1; minus strand). Cytogenetic location: 17q11.2.
Variant type: single nucleotide variant.
Coding change: c.746G>C on transcript NM_080669.6 (MANE Select); coding-DNA position 746, G replaced by C.
Protein change: p.Arg249Pro; replaces arginine 249 with proline.
Molecular consequence: missense variant.
Genome position (GRCh38, 1-based): chr17:28,404,951, C>G on the plus strand (G>C on the coding strand, the complement: SLC46A1 is on the minus strand). VCF-style: chr17-28404951-C-G. GRCh37 (hg19) VCF-style: chr17-26731969-C-G.
Other names: c.746G>C, p.Arg249Pro (NM_001242366.3); short protein forms R249P.
Identifiers: ClinVar variation 1397901 (VCV001397901.6), dbSNP rs1555590603, ClinGen allele CA398348774.

ClinVar aggregate classification (germline): Uncertain significance (1 of 4 stars; one submission).

Allele frequency attached by ClinVar (database versions not stated): TOPMed 0.00001.
gnomAD v4.1: 4 of 1,614,032 alleles (0.00025%); highest among the groups gnomAD compares: Admixed American, 0.0017%; no homozygotes.

Submission:

Labcorp Genetics (formerly Invitae), Labcorp
Classification: Uncertain significance. Last evaluated: 2024-10-24. Review status: criteria provided, single submitter. Criteria: Invitae Variant Classification Sherloc (09022015). Collection method: clinical testing. Allele origin: germline.
Comment: This sequence change replaces arginine with proline at codon 249 of the SLC46A1 protein (p.Arg249Pro). The arginine residue is moderately conserved and there is a moderate physicochemical difference between arginine and proline. This variant is present in population databases (no rsID available, gnomAD no frequency). This variant has not been reported in the literature in individuals affected with SLC46A1-related conditions. ClinVar contains an entry for this variant (Variation ID: 1397901). Invitae Evidence Modeling of protein sequence and biophysical properties (such as structural, functional, and spatial information, amino acid conservation, physicochemical variation, residue mobility, and thermodynamic stability) indicates that this missense variant is not expected to disrupt SLC46A1 protein function with a negative predictive value of 80%. In summary, the available evidence is currently insufficient to determine the role of this variant in disease. Therefore, it has been classified as a Variant of Uncertain Significance.